The following is an entry in ClinVar:

NM_018365.4(MNS1):c.1405A>T (p.Lys469Ter)

Genes: MNS1 (meiosis specific nuclear structural 1; minus strand), TEX9 (testis expressed 9; plus strand). Cytogenetic location: 15q21.3.
Variant type: single nucleotide variant.
Coding change: c.1405A>T on transcript NM_018365.4 (MANE Select); coding-DNA position 1405, A replaced by T.
Protein change: p.Lys469Ter; replaces lysine 469 with a stop codon.
Molecular consequence: nonsense. On other transcripts: 3 prime UTR variant (13), non-coding transcript variant (4), intron variant (3).
Genome position (GRCh38, 1-based): chr15:56,429,184, T>A on the plus strand (A>T on the coding strand, the complement: MNS1 is on the minus strand). VCF-style: chr15-56429184-T-A. GRCh37 (hg19) VCF-style: chr15-56721382-T-A.
Other names: c.*740T>A (NM_001385040.1, NM_001385041.1, NM_001385042.1 and 10 more transcripts); c.*29+711T>A (NM_001385043.1, NM_001286449.2, NM_198524.3); short protein forms K469*.
Identifiers: ClinVar variation 1315901 (VCV001315901.3), dbSNP rs200992458, ClinGen allele CA7579243.
Genomic context (GRCh38, chr15:56,429,184, plus strand): 5'-TCCTTTGTTGATATACTTTCCTGAACTCTTCACCAAGCAGATCAATATCATCCTCTTTTT[T>A]AAATACTCCCTACGAGAAAAATACTTTGTGGGTTACTTTTGAATACCAGAATATTTCACT-3'

ClinVar aggregate classification (germline): Uncertain significance (1 of 4 stars; one submission).

Allele frequency attached by ClinVar (database versions not stated): gnomAD exomes 0.00001 and 0.00002; ExAC 0.00002; gnomAD 0.00002 and 0.00003; TOPMed 0.00002.
gnomAD v4.1: 16 of 1,589,908 alleles (0.001%); highest among the groups gnomAD compares: East Asian, 0.011%; no homozygotes.

Submission:

GeneDx
Classification: Uncertain significance. Last evaluated: 2019-10-30. Review status: criteria provided, single submitter. Criteria: GeneDx Variant Classification Process June 2021. Collection method: clinical testing. Allele origin: germline. Affected: yes.
Comment: Nonsense variant predicted to result in protein truncation, although loss-of-function variants have not been reported downstream of this position in the protein; Has not been previously published as pathogenic or benign to our knowledge